The following is an entry in ClinVar:

NM_014633.5(CTR9):c.360C>T (p.Ala120=)

Gene: CTR9 (CTR9 component of Paf1/RNA polymerase II complex; plus strand). Cytogenetic location: 11p15.4.
Variant type: single nucleotide variant.
Coding change: c.360C>T on transcript NM_014633.5 (MANE Select); coding-DNA position 360, C replaced by T.
Protein change: p.Ala120=; no amino-acid change (alanine 120 retained).
Molecular consequence: synonymous variant.
Genome position (GRCh38, 1-based): chr11:10,755,173, C>T. VCF-style: chr11-10755173-C-T. GRCh37 (hg19) VCF-style: chr11-10776720-C-T.
Other names: c.360C>T, p.Ala120= (NM_001346279.2); c.360C>T (NM_014633.4).
Identifiers: ClinVar variation 1547274 (VCV001547274.10), dbSNP rs769502726, ClinGen allele CA5884837.

ClinVar aggregate classification (germline): Likely benign. Review status: criteria provided, single submitter (1 of 4 stars). 2 submissions from 2 submitters: Likely benign (1). 1 of the submissions does not count toward it. Last evaluated 2025-07-21.

Conditions:
CTR9-related disorder. Also called: CTR9-related condition.

Allele frequency attached by ClinVar (database versions not stated): gnomAD 0.00001; gnomAD exomes 0.00002; TOPMed 0.00002.
gnomAD v4.1: 25 of 1,608,724 alleles (0.0016%); highest among the groups gnomAD compares: Admixed American, 0.024%; no homozygotes.

Submissions (2):

Labcorp Genetics (formerly Invitae), Labcorp
Classification: Likely benign. Last evaluated: 2025-07-21. Review status: criteria provided, single submitter. Criteria: Invitae Variant Classification Sherloc (09022015). Collection method: clinical testing. Allele origin: germline.

PreventionGenetics, part of Exact Sciences
Classification: Likely benign for CTR9-related condition. Last evaluated: 2019-09-26. Review status: no assertion criteria provided. Collection method: clinical testing. Allele origin: germline. Not counted in ClinVar's aggregate classification.
Comment: This variant is classified as likely benign based on ACMG/AMP sequence variant interpretation guidelines (Richards et al. 2015 PMID: 25741868, with internal and published modifications).